The following is an entry in ClinVar:

ClinVar aggregate classification (germline): Likely benign (1 of 4 stars; one submission).

gnomAD v4.1: 16 of 1,550,268 alleles (0.001%); highest among the groups gnomAD compares: Admixed American, 0.014%; no homozygotes.

Submission:

Mayo Clinic Laboratories, Mayo Clinic
Classification: Likely benign. Last evaluated: 2025-10-20. Review status: criteria provided, single submitter. Criteria: ACMG Guidelines, 2015. Collection method: clinical testing. Allele origin: germline. Observed: 3 variant alleles.
Comment: BP4, BP7, PM2_supporting

NM_001142864.4(PIEZO1):c.6192G>A (p.Gln2064=)

Gene: PIEZO1 (piezo type mechanosensitive ion channel component 1 (Er blood group); minus strand). Cytogenetic location: 16q24.3.
Variant type: single nucleotide variant.
Coding change: c.6192G>A on transcript NM_001142864.4 (MANE Select); coding-DNA position 6192, G replaced by A.
Protein change: p.Gln2064=; no amino-acid change (glutamine 2064 retained).
Molecular consequence: synonymous variant.
Genome position (GRCh38, 1-based): chr16:88,719,933, C>T on the plus strand (G>A on the coding strand, the complement: PIEZO1 is on the minus strand). VCF-style: chr16-88719933-C-T. GRCh37 (hg19) VCF-style: chr16-88786341-C-T.
Other names: p.Gln2064=.
Identifiers: ClinVar variation 4684131 (VCV004684131.1).